The following is an entry in ClinVar:

ClinVar aggregate classification (germline): Uncertain significance (1 of 4 stars; one submission).

Conditions:
Immunodeficiency. Identifiers: MedGen C0021051, MONDO:0021094, HP:0002721.

Submission:

Labcorp Genetics (formerly Invitae), Labcorp
Classification: Uncertain significance for Immunodeficiency. Last evaluated: 2024-01-29. Review status: criteria provided, single submitter. Criteria: Invitae Variant Classification Sherloc (09022015). Collection method: clinical testing. Allele origin: germline.
Comment: This sequence change replaces glutamine, which is neutral and polar, with leucine, which is neutral and non-polar, at codon 1068 of the NFAT5 protein (p.Gln1068Leu). This variant is not present in population databases (gnomAD no frequency). This variant has not been reported in the literature in individuals affected with NFAT5-related conditions. An algorithm developed to predict the effect of missense changes on protein structure and function (PolyPhen-2) suggests that this variant is likely to be disruptive. In summary, the available evidence is currently insufficient to determine the role of this variant in disease. Therefore, it has been classified as a Variant of Uncertain Significance.

NM_138713.4(NFAT5):c.3485A>T (p.Gln1162Leu)

Gene: NFAT5 (nuclear factor of activated T cells 5; plus strand). Cytogenetic location: 16q22.1.
Variant type: single nucleotide variant.
Coding change: c.3485A>T on transcript NM_138713.4 (MANE Select); coding-DNA position 3485, A replaced by T.
Protein change: p.Gln1162Leu; replaces glutamine 1162 with leucine.
Molecular consequence: missense variant.
Genome position (GRCh38, 1-based): chr16:69,693,310, A>T. VCF-style: chr16-69693310-A-T. GRCh37 (hg19) VCF-style: chr16-69727213-A-T.
Other names: c.3482A>T, p.Gln1161Leu (NM_001113178.3); c.2810A>T, p.Gln937Leu (NM_001367709.1); c.3431A>T, p.Gln1144Leu (NM_006599.4); c.3203A>T, p.Gln1068Leu (NM_138714.4, NM_173214.3, NM_173215.3); short protein forms Q1144L, Q1161L, Q1162L, Q937L, Q1068L.
Identifiers: ClinVar variation 2714143 (VCV002714143.3), dbSNP rs550669855, ClinGen allele CA396513110.